The following is an entry in ClinVar:

NM_015959.4(TMX2):c.714A>G (p.Lys238=)

Genes: TMX2 (thioredoxin related transmembrane protein 2; plus strand), TMX2-CTNND1 (TMX2-CTNND1 readthrough (NMD candidate); plus strand). Cytogenetic location: 11q12.1.
Variant type: single nucleotide variant.
Coding change: c.714A>G on transcript NM_015959.4 (MANE Select); coding-DNA position 714, A replaced by G.
Protein change: p.Lys238=; no amino-acid change (lysine 238 retained).
Molecular consequence: synonymous variant. On other transcripts: 3 prime UTR variant (1), non-coding transcript variant (4).
Genome position (GRCh38, 1-based): chr11:57,739,230, A>G. VCF-style: chr11-57739230-A-G. GRCh37 (hg19) VCF-style: chr11-57506702-A-G.
Other names: c.600A>G, p.Lys200= (NM_001144012.3); c.735A>G, p.Lys245= (NM_001347890.2); c.630A>G, p.Lys210= (NM_001347891.2); c.507A>G, p.Lys169= (NM_001347892.2); c.453A>G, p.Lys151= (NM_001347893.2); c.432A>G, p.Lys144= (NM_001347894.2, NM_001347895.2, NM_001347896.2); c.*7A>G (NM_001347898.2).
Identifiers: ClinVar variation 3234446 (VCV003234446.20), dbSNP rs1356551795, ClinGen allele CA474594664.

ClinVar aggregate classification (germline): Likely benign (1 of 4 stars; one submission).

Allele frequency attached by ClinVar (database versions not stated): gnomAD exomes below 0.00001.
gnomAD v4.1: 3 of 1,614,158 alleles (0.00019%); highest among the groups gnomAD compares: Middle Eastern, 0.016%; no homozygotes.

Submission:

CeGaT Center for Human Genetics Tuebingen
Classification: Likely benign. Last evaluated: 2024-04-01. Review status: criteria provided, single submitter. Criteria: CeGaT Center For Human Genetics Tuebingen Variant Classification Criteria Version 2. Collection method: clinical testing. Allele origin: germline. Affected: yes. Observed: 1 variant allele.
Comment: TMX2: BP4, BP7